The following is an entry in ClinVar:

NM_003995.4(NPR2):c.1329G>T (p.Leu443Phe)

Gene: NPR2 (natriuretic peptide receptor 2; plus strand). Cytogenetic location: 9p13.3.
Variant type: single nucleotide variant.
Coding change: c.1329G>T on transcript NM_003995.4 (MANE Select); coding-DNA position 1329, G replaced by T.
Protein change: p.Leu443Phe; replaces leucine 443 with phenylalanine.
Molecular consequence: missense variant.
Genome position (GRCh38, 1-based): chr9:35,800,819, G>T. VCF-style: chr9-35800819-G-T. GRCh37 (hg19) VCF-style: chr9-35800816-G-T.
Other names: p.Leu443Phe; c.1329G>T, p.Leu443Phe (NM_001378923.1); short protein forms L443F.
Identifiers: ClinVar variation 3375488 (VCV003375488.2).

ClinVar aggregate classification (germline): Uncertain significance (1 of 4 stars; one submission).

Conditions:
Acromesomelic dysplasia 1, Maroteaux type (AMD1). Also called: ST. HELENA DYSPLASIA; ACROMESOMELIC DYSPLASIA 1. Identifiers: Orphanet 40, MedGen C1864356, MONDO:0011275, OMIM 602875.

Submission:

Foundation for Research in Genetics and Endocrinology, FRIGE's Institute of Human Genetics
Classification: Uncertain significance for Acromesomelic dysplasia 1, Maroteaux type. Last evaluated: 2024-11-08. Review status: criteria provided, single submitter. Criteria: ACMG Guidelines, 2015. Collection method: clinical testing. Allele origin: germline. Inheritance: Autosomal dominant inheritance. Affected: yes. Observed: 1 heterozygote.
Comment: A heterozygous missense variant in exon 6 of the NPR2 gene that results in the amino acid substitution of Phenylalanine for Leucine at codon 443 (p.Leu443Phe) was detected. The p.Leu443Phe variant has not been reported in the 1000 genomes, gnomAD (v3.1), gnomAD (v2.1) and topmed databases. The reference codon is conserved across species. In summary, the variant meets our criteria to be classified as variant of uncertain significance.